The following is an entry in ClinVar:

NM_020937.4(FANCM):c.2285T>C (p.Met762Thr)

Gene: FANCM (FA complementation group M; plus strand). Cytogenetic location: 14q21.2.
Variant type: single nucleotide variant.
Coding change: c.2285T>C on transcript NM_020937.4 (MANE Select); coding-DNA position 2285, T replaced by C.
Protein change: p.Met762Thr; replaces methionine 762 with threonine.
Molecular consequence: missense variant.
Genome position (GRCh38, 1-based): chr14:45,173,179, T>C. VCF-style: chr14-45173179-T-C. GRCh37 (hg19) VCF-style: chr14-45642382-T-C.
Other names: c.2207T>C, p.Met736Thr (NM_001308133.2); short protein forms M762T, M736T.
Identifiers: ClinVar variation 1492908 (VCV001492908.8), dbSNP rs1359486439, ClinGen allele CA389596847.
Genomic context (GRCh38, chr14:45,173,179, plus strand): 5'-ATCCTTTGCCTACACATCAAGTTGATCACTCAGATCGATGCCGCCATTTTATAGGCCTTA[T>C]GCAAATGATAGAGGGAATGAGACACGAAGAGGTGGGGTTTTATTGTAACTTTCTCTTGCT-3'
Protein context (NP_065988.1, residues 752-772): SDRCRHFIGL[Met762Thr]QMIEGMRHEE

ClinVar aggregate classification (germline): Uncertain significance (1 of 4 stars; one submission).

Conditions:
Fanconi anemia (FA). Also called: Fanconi's anemia. Identifiers: Orphanet 84, MedGen C0015625, MeSH D005199, MONDO:0019391.

Allele frequency attached by ClinVar (database versions not stated): gnomAD exomes below 0.00001.
gnomAD v4.1: 1 of 1,613,940 alleles (0.000062%); highest among the groups gnomAD compares: Non-Finnish European, 0.000085%; no homozygotes.

Submission:

Labcorp Genetics (formerly Invitae), Labcorp
Classification: Uncertain significance for Fanconi anemia. Last evaluated: 2020-12-11. Review status: criteria provided, single submitter. Criteria: Invitae Variant Classification Sherloc (09022015). Collection method: clinical testing. Allele origin: germline.
Comment: In summary, the available evidence is currently insufficient to determine the role of this variant in disease. Therefore, it has been classified as a Variant of Uncertain Significance. Algorithms developed to predict the effect of missense changes on protein structure and function are either unavailable or do not agree on the potential impact of this missense change (SIFT: "Tolerated"; PolyPhen-2: "Possibly Damaging"; Align-GVGD: "Class C0"). This variant has not been reported in the literature in individuals with FANCM-related conditions. This variant is not present in population databases (ExAC no frequency). This sequence change replaces methionine with threonine at codon 762 of the FANCM protein (p.Met762Thr). The methionine residue is moderately conserved and there is a moderate physicochemical difference between methionine and threonine.